The following is an entry in ClinVar:

ClinVar aggregate classification (germline): Uncertain significance. Review status: criteria provided, multiple submitters, no conflicts (2 of 4 stars). 2 submissions from 2 submitters: Uncertain significance (2). Last evaluated 2025-08-03.

Allele frequency attached by ClinVar (database versions not stated): gnomAD 0.00001; TOPMed 0.00001; ExAC 0.00002; gnomAD exomes 0.00002 and 0.00007.

Submissions (2):

Ambry Genetics
Classification: Uncertain significance. Last evaluated: 2025-08-03. Review status: criteria provided, single submitter. Criteria: Ambry Variant Classification Scheme 2023. Collection method: clinical testing. Allele origin: germline.

Labcorp Genetics (formerly Invitae), Labcorp
Classification: Uncertain significance. Last evaluated: 2023-08-24. Review status: criteria provided, single submitter. Criteria: Invitae Variant Classification Sherloc (09022015). Collection method: clinical testing. Allele origin: germline.
Comment: In summary, the available evidence is currently insufficient to determine the role of this variant in disease. Therefore, it has been classified as a Variant of Uncertain Significance. Advanced modeling of protein sequence and biophysical properties (such as structural, functional, and spatial information, amino acid conservation, physicochemical variation, residue mobility, and thermodynamic stability) performed at Invitae indicates that this missense variant is not expected to disrupt STAT4 protein function. ClinVar contains an entry for this variant (Variation ID: 1041091). This variant has not been reported in the literature in individuals affected with STAT4-related conditions. This variant is present in population databases (rs764990697, gnomAD 0.06%), and has an allele count higher than expected for a pathogenic variant. This sequence change replaces arginine, which is basic and polar, with glutamine, which is neutral and polar, at codon 241 of the STAT4 protein (p.Arg241Gln).

NM_003151.4(STAT4):c.722G>A (p.Arg241Gln)

Gene: STAT4 (signal transducer and activator of transcription 4; minus strand). Cytogenetic location: 2q32.2.
Variant type: single nucleotide variant.
Coding change: c.722G>A on transcript NM_003151.4 (MANE Select); coding-DNA position 722, G replaced by A.
Protein change: p.Arg241Gln; replaces arginine 241 with glutamine.
Molecular consequence: missense variant.
Genome position (GRCh38, 1-based): chr2:191,064,867, C>T on the plus strand (G>A on the coding strand, the complement: STAT4 is on the minus strand). VCF-style: chr2-191064867-C-T. GRCh37 (hg19) VCF-style: chr2-191929593-C-T.
Other names: c.722G>A, p.Arg241Gln (NM_001243835.2); c.722G>A (NM_003151.3); short protein forms R241Q.
Identifiers: ClinVar variation 1041091 (VCV001041091.10), dbSNP rs764990697, ClinGen allele CA2030808.
Genomic context (GRCh38, chr2:191,064,867, plus strand): 5'-CAGTTCTGAAGCTGGTCGAGCCCATTGTGGAGTGGACCCCCGATGCAGGCGATTTGCTGC[C>T]GCCGCTTCCAGTCTTGCAGCTCTTCTATGAGCATGGTGTTCATTAACAGGTCTGTCTCAT-3'
Protein context (NP_003142.1, residues 231-251): LIEELQDWKR[Arg241Gln]QQIACIGGPL